The following is an entry in ClinVar:

ClinVar aggregate classification (germline): Uncertain significance. Review status: criteria provided, multiple submitters, no conflicts (2 of 4 stars). 2 submissions from 2 submitters: Uncertain significance (2). Last evaluated 2025-09-02.

Conditions:
Duchenne muscular dystrophy (DMD). Also called: MUSCULAR DYSTROPHY, PSEUDOHYPERTROPHIC PROGRESSIVE, DUCHENNE TYPE; Duchenne Muscular Dystrophy (DMD). Identifiers: Orphanet 98896, MedGen C0013264, MONDO:0010679, OMIM 310200.
Cardiovascular phenotype. Identifiers: MedGen CN230736.

Submissions (2):

Labcorp Genetics (formerly Invitae), Labcorp
Classification: Uncertain significance for Duchenne muscular dystrophy. Last evaluated: 2025-09-02. Review status: criteria provided, single submitter. Criteria: Invitae Variant Classification Sherloc (09022015). Collection method: clinical testing. Allele origin: germline.
Comment: This sequence change replaces threonine, which is neutral and polar, with arginine, which is basic and polar, at codon 687 of the DMD protein (p.Thr687Arg). This variant is not present in population databases (gnomAD no frequency). This variant has not been reported in the literature in individuals affected with DMD-related conditions. ClinVar contains an entry for this variant (Variation ID: 1785220). Invitae Evidence Modeling of protein sequence and biophysical properties (such as structural, functional, and spatial information, amino acid conservation, physicochemical variation, residue mobility, and thermodynamic stability) indicates that this missense variant is not expected to disrupt DMD protein function with a negative predictive value of 95%. In summary, the available evidence is currently insufficient to determine the role of this variant in disease. Therefore, it has been classified as a Variant of Uncertain Significance.

Ambry Genetics
Classification: Uncertain significance for Cardiovascular phenotype. Last evaluated: 2019-06-27. Review status: criteria provided, single submitter. Criteria: Ambry Variant Classification Scheme 2023. Collection method: clinical testing. Allele origin: germline.
Comment: The p.T687R variant (also known as c.2060C>G), located in coding exon 17 of the DMD gene, results from a C to G substitution at nucleotide position 2060. The threonine at codon 687 is replaced by arginine, an amino acid with similar properties. This amino acid position is well conserved in available vertebrate species. In addition, this alteration is predicted to be tolerated by in silico analysis. Since supporting evidence is limited at this time, the clinical significance of this alteration remains unclear.

NM_004006.3(DMD):c.2060C>G (p.Thr687Arg)

Gene: DMD (dystrophin; minus strand). Cytogenetic location: Xp21.1.
Variant type: single nucleotide variant.
Coding change: c.2060C>G on transcript NM_004006.3 (MANE Select); coding-DNA position 2060, C replaced by G.
Protein change: p.Thr687Arg; replaces threonine 687 with arginine.
Molecular consequence: missense variant.
Genome position (GRCh38, 1-based): chrX:32,545,267, G>C on the plus strand (C>G on the coding strand, the complement: DMD is on the minus strand). VCF-style: chrX-32545267-G-C. GRCh37 (hg19) VCF-style: chrX-32563384-G-C.
Other names: c.2036C>G, p.Thr679Arg (NM_000109.4); c.2048C>G, p.Thr683Arg (NM_004009.3); c.1691C>G, p.Thr564Arg (NM_004010.3); short protein forms T679R, T683R, T564R, T687R.
Identifiers: ClinVar variation 1785220 (VCV001785220.7), dbSNP rs751543064, ClinGen allele CA412668408.